The following is an entry in ClinVar:

NM_007294.4(BRCA1):c.4035del (p.Glu1346fs)

Genes: BRCA1 (BRCA1 DNA repair associated; minus strand), LOC126862571 (BRD4-independent group 4 enhancer GRCh37_chr17:41243136-41244335; plus strand). Cytogenetic location: 17q21.31.
Variant type: Deletion.
Coding change: c.4035del on transcript NM_007294.4 (MANE Select); coding-DNA position 4035, one base deleted (A; older notation c.4035delA).
Protein change: p.Glu1346fs; shifts the reading frame from glutamic acid 1346.
Molecular consequence: frameshift variant. On other transcripts: intron variant (135).
Genome position (GRCh38, 1-based): chr17:43,091,496, T deleted on the plus strand (A on the coding strand, the reverse complement: BRCA1 is on the minus strand); the first of 2 consecutive T bases (chr17:43,091,496-43,091,497); deleting either gives the same sequence. VCF-style (leftmost placement, unchanged base first): chr17-43091495-CT-C. GRCh37 (hg19) VCF-style: chr17-41243512-CT-C.
Other names: Glu1346LysfsX20; 4154delA; c.4035delA (NM_007294.3, NM_007294.4); c.4035del (NM_007300.3); c.3957del, p.Glu1320fs (NM_001407658.1, NM_001407663.1, NM_001407653.1 and 4 more transcripts); c.3954del, p.Glu1319fs (NM_001407659.1, NM_001407660.1, NM_001407661.1 and 1 more transcripts); c.3912del, p.Glu1305fs (NM_001407664.1, NM_001407665.1, NM_001407666.1 and 19 more transcripts); c.3909del, p.Glu1304fs (NM_001407670.1, NM_001407671.1, NM_001407672.1 and 11 more transcripts); and 45 more; short protein forms E1299fs, E1346fs, E1219fs, E1234fs, E1276fs, E1278fs, E1298fs, E1319fs.
Identifiers: ClinVar variation 37560 (VCV000037560.114), dbSNP rs80357711, ClinGen allele CA002573.

ClinVar aggregate classification (germline): Pathogenic. Review status: reviewed by expert panel (3 of 4 stars). 48 submissions from 46 submitters: Pathogenic (1). 47 of the submissions do not count toward it. Last evaluated 2016-04-22.

Conditions:
BRCA1-related disorder. Also called: BRCA1-related condition.
BRCA1-related cancer predisposition. Identifiers: MedGen CN377757, MONDO:0700268.
Inherited ovarian cancer (without breast cancer).
Inherited breast cancer and ovarian cancer.
Breast and/or ovarian cancer. Identifiers: MedGen CN221562.
Hereditary cancer-predisposing syndrome. Also called: Neoplastic Syndromes, Hereditary; Tumor predisposition; Hereditary Cancer Syndrome; Hereditary neoplastic syndrome. Identifiers: Orphanet 140162, MedGen C0027672, MeSH D009386, MONDO:0015356.
Hereditary breast ovarian cancer syndrome. Also called: Hereditary breast and ovarian cancer; Breast and ovarian cancer; Hereditary breast and/or ovarian cancer syndrome; Hereditary breast and ovarian cancer syndrome (HBOC); Hereditary breast and ovarian cancer syndrome; BRCA1- and BRCA2-Associated Hereditary Breast and Ovarian Cancer. Identifiers: Orphanet 145, MedGen C0677776, MeSH D061325, MONDO:0003582. Disease mechanism: loss of function.
Breast-ovarian cancer, familial, susceptibility to, 1 (BROVCA1). Also called: OVARIAN CANCER, SUSCEPTIBILITY TO; BRCA1 Hereditary Breast and Ovarian Cancer. Identifiers: Orphanet 145, MedGen C2676676, MONDO:0011450, OMIM 604370. Disease mechanism: loss of function.
Familial cancer of breast. Also called: BREAST CANCER, FAMILIAL; Hereditary breast cancer; hereditary breast carcinoma. Identifiers: Orphanet 227535, MedGen C0346153, MONDO:0016419, OMIM 114480. Disease mechanism: loss of function.

Submissions 1 to 9 of 48:

Evidence-based Network for the Interpretation of Germline Mutant Alleles (ENIGMA)
Classification: Pathogenic for Breast-ovarian cancer, familial, susceptibility to, 1. Last evaluated: 2016-04-22. Review status: reviewed by expert panel. Criteria: ENIGMA BRCA1/2 Classification Criteria (2015). Collection method: curation. Allele origin: germline.
Comment: Variant allele predicted to encode a truncated non-functional protein.

Genetics Laboratory, Great Ormond Street Hospital NHS Foundation Trust, North Thames Genomic Laboratory Hub
Classification: Pathogenic for Inherited ovarian cancer (without breast cancer). Last evaluated: 2026-09-03. Review status: criteria provided, single submitter. Criteria: CanVIG BRCA Gene Specific V1.22. Collection method: clinical testing. Allele origin: germline. Affected: yes. Not counted in ClinVar's aggregate classification.
Comment: PS4_very-strong, PVS1_very-strong, PM5_strong

Genetics Laboratory, Great Ormond Street Hospital NHS Foundation Trust, North Thames Genomic Laboratory Hub
Classification: Pathogenic for Inherited breast cancer and ovarian cancer. Last evaluated: 2026-09-03. Review status: criteria provided, single submitter. Criteria: CanVIG BRCA Gene Specific V1.22. Collection method: clinical testing. Allele origin: germline. Affected: yes. Not counted in ClinVar's aggregate classification.
Comment: the same text as in the submission from Genetics Laboratory, Great Ormond Street Hospital NHS Foundation Trust, North Thames Genomic Laboratory Hub above.

Institute of Human Genetics, University of Leipzig Medical Center
Classification: Pathogenic for Breast-ovarian cancer, familial, susceptibility to, 1. Last evaluated: 2026-07-20. Review status: criteria provided, single submitter. Criteria: ACMG Guidelines, 2015. Collection method: clinical testing. Allele origin: unknown. Inheritance: Autosomal dominant inheritance. Affected: yes. Not counted in ClinVar's aggregate classification.
Comment: Criteria applied: PVS1,PM5_STR,PP4_STR

Labcorp Genetics (formerly Invitae), Labcorp
Classification: Pathogenic for Hereditary breast ovarian cancer syndrome. Last evaluated: 2026-01-27. Review status: criteria provided, single submitter. Criteria: Invitae Variant Classification Sherloc (09022015). Collection method: clinical testing. Allele origin: germline. Not counted in ClinVar's aggregate classification.
Comment: This sequence change creates a premature translational stop signal (p.Glu1346Lysfs*20) in the BRCA1 gene. It is expected to result in an absent or disrupted protein product. Loss-of-function variants in BRCA1 are known to be pathogenic (PMID: 20104584). This variant is present in population databases (rs80357711, gnomAD 0.009%). This premature translational stop signal has been observed in individual(s) with breast and ovarian cancer (PMID: 15591272, 20345474, 20569256, 22032251, 23199084). This variant is also known as 4153delA and 4154delA. ClinVar contains an entry for this variant (Variation ID: 37560). RNA analysis performed to evaluate the impact of this premature translational stop signal on mRNA splicing indicates it does not significantly alter splicing (internal data). For these reasons, this variant has been classified as Pathogenic.

Color Diagnostics, LLC DBA Color Health
Classification: Pathogenic for Hereditary cancer-predisposing syndrome. Last evaluated: 2025-12-08. Review status: criteria provided, single submitter. Criteria: ACMG Guidelines, 2015. Collection method: clinical testing. Allele origin: germline. Not counted in ClinVar's aggregate classification.
Comment: This variant deletes 1 nucleotide in exon 10 of the BRCA1 gene, creating a frameshift and premature translation stop signal. This variant is also known as 4153delA and 4154delA in the literature according to the BIC nomenclature. This variant is expected to result in an absent or non-functional protein product. This variant has been reported in many individuals affected with breast and ovarian cancer (PMID: 20345474, 24770866, 29785153, 30040829) and is known to be a founder mutation in the Baltic Population (PMID: 23274591). This variant also has been detected in a breast cancer case-control meta-analysis in 11/60466 cases and 0/53461 unaffected individuals (PMID: 33471991Leiden Open Variation Database DB-ID BRCA1_000791). Multifactorial analysis reached a combined likelihood ratio (LR) of 32,514,216 based on breast cancer case-control data and personal and family history for 14 carriers (PMID: 31853058, 40413188). This variant has been identified in 18/1613396 chromosomes in the general population by the Genome Aggregation Database (gnomAD). Loss of BRCA1 function is a known mechanism of disease. Based on the available evidence, this variant is classified as Pathogenic.

CeGaT Center for Human Genetics Tuebingen
Classification: Pathogenic. Last evaluated: 2025-11-01. Review status: criteria provided, single submitter. Criteria: CeGaT Center For Human Genetics Tuebingen Variant Classification Criteria Version 2. Collection method: clinical testing. Allele origin: germline. Affected: yes. Observed: 3 variant alleles. Not counted in ClinVar's aggregate classification.
Comment: BRCA1: PVS1, PS4, PM2:Supporting

Molecular Diagnostics Laboratory, Catalan Institute of Oncology
Classification: Pathogenic for Hereditary cancer-predisposing syndrome. Last evaluated: 2025-08-25. Review status: criteria provided, single submitter. Criteria: ClinGen BRCA1BRCA2 ACMG Specifications BRCA1 V1.0.0. Collection method: clinical testing. Allele origin: germline. Not counted in ClinVar's aggregate classification.
Comment: PVS1, PM5_PTC_Strong c.4035del, located in exon 10 (11 according BIC nomenclature) of the BRCA1 gene, consists in the deletion of 1 nucleotide, causing a translational frameshift with a predicted alternate stop codon, p.(Glu1346Lysfs*20). This alteration is expected to result in loss of function by premature protein truncation and nonsense-mediated mRNA decay (PVS1, PM5_PTC_Strong). No effect is predicted on splicing by computational tools. This variant is found in 9/267976 alleles at a frequency of 0.0034% in the gnomAD v2.1.1 database, non-cancer dataset. To our knowledge, neither relevant clinical data nor well-established functional studies have been reported for this variant. In addition, it was also identified in the following databases: BRCA Exchange (Pathogenic: Variant allele predicted to encode a truncated non-functional protein), ClinVar (40x pathogenic) and LOVD (2x uncertain significance, 30x pathogenic). Based on the currently available evidence, c.4035del is classified as a pathogenic variant according to ClinGen-BRCA1 Guidelines v.1.0.0.

OLLIN Analises Genomicas, OLLIN
Classification: Pathogenic for Breast-ovarian cancer, familial, susceptibility to, 1. Last evaluated: 2025-08-01. Review status: criteria provided, single submitter. Criteria: ACMG Guidelines 2015 PMID 25741868. Collection method: clinical testing. Allele origin: germline. Affected: yes. Observed: 1 variant allele. Not counted in ClinVar's aggregate classification.
Comment: The frameshift variant (chr17:43091495CT>C), located in exon 10 (of 23), is reported in ClinVar (VCV000037560.107), in gnomAD v4.1 non-UKB with an allele frequency of 0.0022%, and in the scientific literature in individuals with breast and ovarian cancer (PMID: 20569256, 15146557, 22032251). This variant promotes a frameshift with subsequent introduction of a premature stop codon, resulting in a truncated protein or mRNA degradation via NMD, and several loss-of-function variants are described in this exon. According to currently available evidence and the specific ClinGen criteria for the gene (PMID: 39142283), this variant has been classified as pathogenic (PVS1, PM5_S).